The following is an entry in ClinVar:

ClinVar aggregate classification (germline): Uncertain significance (1 of 4 stars; one submission).

Submission:

GeneDx
Classification: Uncertain significance. Last evaluated: 2025-07-20. Review status: criteria provided, single submitter. Criteria: GeneDx Variant Classification Process June 2021. Collection method: clinical testing. Allele origin: germline. Affected: yes.
Comment: Not observed at significant frequency in large population cohorts (gnomAD); In silico analysis supports that this missense variant has a deleterious effect on protein structure/function; Has not been previously published as pathogenic or benign to our knowledge

NM_182978.4(GNAL):c.1129C>T (p.Pro377Ser)

Gene: GNAL (G protein subunit alpha L; plus strand). Cytogenetic location: 18p11.21.
Variant type: single nucleotide variant.
Coding change: c.1129C>T on transcript NM_182978.4 (MANE Select); coding-DNA position 1129, C replaced by T.
Protein change: p.Pro377Ser; replaces proline 377 with serine.
Molecular consequence: missense variant.
Genome position (GRCh38, 1-based): chr18:11,872,365, C>T. VCF-style: chr18-11872365-C-T. GRCh37 (hg19) VCF-style: chr18-11872364-C-T.
Other names: c.898C>T, p.Pro300Ser (NM_001142339.3, NM_001261443.2, NM_001369387.1); c.277C>T, p.Pro93Ser (NM_001261444.2); short protein forms P300S, P377S, P93S.
Identifiers: ClinVar variation 4686857 (VCV004686857.1).
Genomic context (GRCh38, chr18:11,872,365, plus strand): 5'-AAACAAGATATGCTGGCAGAAAAAGTCTTGGCAGGGAAATCAAAAATTGAAGACTATTTC[C>T]CAGAATATGCAAATTATACTGTTCCTGAAGACGGTAAGATTTCAAAACACATTCTTATGA-3'
Protein context (NP_892023.1, residues 367-387): AGKSKIEDYF[Pro377Ser]EYANYTVPED